The following is an entry in ClinVar:

ClinVar aggregate classification (germline): Uncertain significance (1 of 4 stars; one submission).

Allele frequency attached by ClinVar (database versions not stated): gnomAD exomes below 0.00001 and 0.00001; ExAC 0.00001.
gnomAD v4.1: 15 of 1,577,750 alleles (0.00095%); highest among the groups gnomAD compares: Non-Finnish European, 0.0013%; no homozygotes.

Submission:

Labcorp Genetics (formerly Invitae), Labcorp
Classification: Uncertain significance. Last evaluated: 2022-04-16. Review status: criteria provided, single submitter. Criteria: Invitae Variant Classification Sherloc (09022015). Collection method: clinical testing. Allele origin: germline.
Comment: In summary, the available evidence is currently insufficient to determine the role of this variant in disease. Therefore, it has been classified as a Variant of Uncertain Significance. Algorithms developed to predict the effect of missense changes on protein structure and function output the following: SIFT: "Tolerated"; PolyPhen-2: "Not Available"; Align-GVGD: "Class C0". The asparagine amino acid residue is found in multiple mammalian species, which suggests that this missense change does not adversely affect protein function. This variant has not been reported in the literature in individuals affected with PCLO-related conditions. This variant is present in population databases (rs776846677, gnomAD 0.0009%). This sequence change replaces serine, which is neutral and polar, with asparagine, which is neutral and polar, at codon 4776 of the PCLO protein (p.Ser4776Asn).

NM_033026.6(PCLO):c.14327G>A (p.Ser4776Asn)

Gene: PCLO (piccolo presynaptic cytomatrix protein; minus strand). Cytogenetic location: 7q21.11.
Variant type: single nucleotide variant.
Coding change: c.14327G>A on transcript NM_033026.6 (MANE Select); coding-DNA position 14327, G replaced by A.
Protein change: p.Ser4776Asn; replaces serine 4776 with asparagine.
Molecular consequence: missense variant.
Genome position (GRCh38, 1-based): chr7:82,827,889, C>T on the plus strand (G>A on the coding strand, the complement: PCLO is on the minus strand). VCF-style: chr7-82827889-C-T. GRCh37 (hg19) VCF-style: chr7-82457205-C-T.
Other names: c.14327G>A, p.Ser4776Asn (NM_014510.3); short protein forms S4776N.
Identifiers: ClinVar variation 1500418 (VCV001500418.8), dbSNP rs776846677, ClinGen allele CA4318864.